The following is an entry in ClinVar:

ClinVar aggregate classification (germline): Uncertain significance (1 of 4 stars; one submission).

Submission:

Labcorp Genetics (formerly Invitae), Labcorp
Classification: Uncertain significance. Last evaluated: 2022-05-06. Review status: criteria provided, single submitter. Criteria: Invitae Variant Classification Sherloc (09022015). Collection method: clinical testing. Allele origin: germline.
Comment: In summary, the available evidence is currently insufficient to determine the role of this variant in disease. Therefore, it has been classified as a Variant of Uncertain Significance. Algorithms developed to predict the effect of missense changes on protein structure and function (SIFT, PolyPhen-2, Align-GVGD) all suggest that this variant is likely to be disruptive. This variant has not been reported in the literature in individuals affected with LARP7-related conditions. This variant is not present in population databases (gnomAD no frequency). This sequence change replaces asparagine, which is neutral and polar, with isoleucine, which is neutral and non-polar, at codon 135 of the LARP7 protein (p.Asn135Ile).

NM_016648.4(LARP7):c.404A>T (p.Asn135Ile)

Genes: LARP7 (La ribonucleoprotein 7, transcriptional regulator; plus strand), MIR302CHG (miR-302/367 cluster host gene; minus strand). Cytogenetic location: 4q25.
Variant type: single nucleotide variant.
Coding change: c.404A>T on transcript NM_016648.4 (MANE Select); coding-DNA position 404, A replaced by T.
Protein change: p.Asn135Ile; replaces asparagine 135 with isoleucine.
Molecular consequence: missense variant. On other transcripts: non-coding transcript variant (3).
Genome position (GRCh38, 1-based): chr4:112,646,807, A>T. VCF-style: chr4-112646807-A-T. GRCh37 (hg19) VCF-style: chr4-113567963-A-T.
Other names: c.404A>T, p.Asn135Ile (NM_001370978.1, NM_001370979.1, NM_001370980.1 and 6 more transcripts); c.167A>T, p.Asn56Ile (NM_001370981.1, NM_001370982.1); short protein forms N56I, N135I.
Identifiers: ClinVar variation 2130431 (VCV002130431.4), dbSNP rs748408446, ClinGen allele CA357923115.